The following is an entry in ClinVar:

ClinVar aggregate classification (germline): Uncertain significance. Review status: criteria provided, multiple submitters, no conflicts (2 of 4 stars). 2 submissions from 2 submitters: Uncertain significance (2). Last evaluated 2025-02-24.

Conditions:
Progressive microcephaly-seizures-cortical blindness-developmental delay syndrome. Also called: Seizures, cortical blindness, and microcephaly syndrome. Identifiers: Orphanet 477814, MedGen C5567650, MONDO:0014714, OMIM 616632.
Autosomal dominant nonsyndromic hearing loss 1. Also called: KONIGSMARK SYNDROME; DEAFNESS, AUTOSOMAL DOMINANT 1, WITH OR WITHOUT THROMBOCYTOPENIA. Identifiers: Orphanet 90635, MedGen C1852282, MONDO:0007424, OMIM 124900.

Allele frequency attached by ClinVar (database versions not stated): ExAC 0.00001; gnomAD exomes 0.00001.
gnomAD v4.1: 13 of 1,613,980 alleles (0.00081%); highest among the groups gnomAD compares: South Asian, 0.0011%; no homozygotes.

Submissions (2):

Labcorp Genetics (formerly Invitae), Labcorp
Classification: Uncertain significance for Progressive microcephaly-seizures-cortical blindness-developmental delay syndrome; Autosomal dominant nonsyndromic hearing loss 1. Last evaluated: 2025-02-24. Review status: criteria provided, single submitter. Criteria: Invitae Variant Classification Sherloc (09022015). Collection method: clinical testing. Allele origin: germline.
Comment: This sequence change replaces arginine, which is basic and polar, with cysteine, which is neutral and slightly polar, at codon 936 of the DIAPH1 protein (p.Arg936Cys). This variant is present in population databases (rs750941858, gnomAD 0.003%). This variant has not been reported in the literature in individuals affected with DIAPH1-related conditions. ClinVar contains an entry for this variant (Variation ID: 970350). An algorithm developed to predict the effect of missense changes on protein structure and function (PolyPhen-2) suggests that this variant is likely to be disruptive. In summary, the available evidence is currently insufficient to determine the role of this variant in disease. Therefore, it has been classified as a Variant of Uncertain Significance.

Blueprint Genetics
Classification: Uncertain significance. Last evaluated: 2022-07-12. Review status: criteria provided, single submitter. Criteria: ACMG Guidelines, 2015. Collection method: clinical testing. Allele origin: germline.

NM_005219.5(DIAPH1):c.2806C>T (p.Arg936Cys)

Gene: DIAPH1 (diaphanous related formin 1; minus strand). Cytogenetic location: 5q31.3.
Variant type: single nucleotide variant.
Coding change: c.2806C>T on transcript NM_005219.5 (MANE Select); coding-DNA position 2806, C replaced by T.
Protein change: p.Arg936Cys; replaces arginine 936 with cysteine.
Molecular consequence: missense variant.
Genome position (GRCh38, 1-based): chr5:141,528,914, G>A on the plus strand (C>T on the coding strand, the complement: DIAPH1 is on the minus strand). VCF-style: chr5-141528914-G-A. GRCh37 (hg19) VCF-style: chr5-140908481-G-A.
Other names: c.2779C>T, p.Arg927Cys (NM_001079812.3); c.2806C>T, p.Arg936Cys (NM_001314007.2); short protein forms R927C, R936C.
Identifiers: ClinVar variation 970350 (VCV000970350.9), dbSNP rs750941858, ClinGen allele CA3478945.